The following is an entry in ClinVar:

ClinVar aggregate classification (germline): Likely benign (1 of 4 stars; one submission).

Conditions:
DNAH6-related disorder. Also called: DNAH6-related condition.

gnomAD v4.1: 15 of 1,551,982 alleles (0.00097%); highest among the groups gnomAD compares: Non-Finnish European, 0.001%; no homozygotes.

Submission:

PreventionGenetics, part of Exact Sciences
Classification: Likely benign for DNAH6-related condition. Last evaluated: 2026-08-06. Review status: criteria provided, single submitter. Criteria: ACMG Guidelines, 2015. Collection method: clinical testing. Allele origin: germline.
Comment: This variant is classified as likely benign based on ACMG/AMP sequence variant interpretation guidelines (Richards et al. 2015 PMID: 25741868, with internal and published modifications).

NM_001370.2(DNAH6):c.11781G>A (p.Val3927=)

Gene: DNAH6 (dynein axonemal heavy chain 6; plus strand). Cytogenetic location: 2p11.2.
Variant type: single nucleotide variant.
Coding change: c.11781G>A on transcript NM_001370.2 (MANE Select); coding-DNA position 11781, G replaced by A.
Protein change: p.Val3927=; no amino-acid change (valine 3927 retained).
Molecular consequence: synonymous variant.
Genome position (GRCh38, 1-based): chr2:84,812,382, G>A. VCF-style: chr2-84812382-G-A. GRCh37 (hg19) VCF-style: chr2-85039506-G-A.
Identifiers: ClinVar variation 4985684 (VCV004985684.1).